The following is an entry in ClinVar:

NM_000268.4(NF2):c.585C>T (p.His195=)

Gene: NF2 (NF2, moesin-ezrin-radixin like (MERLIN) tumor suppressor; plus strand). Cytogenetic location: 22q12.2.
Variant type: single nucleotide variant.
Coding change: c.585C>T on transcript NM_000268.4 (MANE Select); coding-DNA position 585, C replaced by T.
Protein change: p.His195=; no amino-acid change (histidine 195 retained).
Molecular consequence: synonymous variant. On other transcripts: non-coding transcript variant (1), intron variant (1).
Genome position (GRCh38, 1-based): chr22:29,655,662, C>T. VCF-style: chr22-29655662-C-T. GRCh37 (hg19) VCF-style: chr22-30051651-C-T.
Other names: c.585C>T (NM_000268.3); c.585C>T, p.His195= (NM_016418.5, NM_181825.3, NM_181832.3); c.459C>T, p.His153= (NM_181828.3); c.462C>T, p.His154= (NM_181829.3); c.336C>T, p.His112= (NM_181830.3, NM_181831.3); c.447+13377C>T (NM_181833.3).
Identifiers: ClinVar variation 1627777 (VCV001627777.11), dbSNP rs2146973623, ClinGen allele CA514181715.

ClinVar aggregate classification (germline): Likely benign. Review status: criteria provided, multiple submitters, no conflicts (2 of 4 stars). 3 submissions from 3 submitters: Likely benign (3). Last evaluated 2023-01-10.

Conditions:
Neurofibromatosis, type 2 (SWNV). Also called: SCHWANNOMATOSIS, VESTIBULAR; BILATERAL ACOUSTIC NEUROFIBROMATOSIS; NF2-Related Schwannomatosis. Identifiers: Orphanet 637, MedGen C0027832, MONDO:0007039, OMIM 101000. Disease mechanism: loss of function.
Hereditary cancer-predisposing syndrome. Also called: Tumor predisposition; Hereditary Cancer Syndrome; Hereditary neoplastic syndrome; Neoplastic Syndromes, Hereditary. Identifiers: Orphanet 140162, MedGen C0027672, MeSH D009386, MONDO:0015356.

Allele frequency attached by ClinVar (database versions not stated): gnomAD exomes below 0.00001.
gnomAD v4.1: 7 of 1,612,726 alleles (0.00043%); highest among the groups gnomAD compares: South Asian, 0.0044%; no homozygotes.

Submissions (3):

All of Us Research Program, National Institutes of Health
Classification: Likely benign for Neurofibromatosis, type 2. Last evaluated: 2023-01-10. Review status: criteria provided, single submitter. Criteria: ACMG Guidelines, 2015. Collection method: clinical testing. Allele origin: germline. Inheritance: Autosomal dominant inheritance. Observed: 1 variant allele, 1 heterozygote.
Comment: This study involves interpretation of variants in research participants for the purpose of population health screening. Participant phenotype was not available at the time of variant classification. Additional details can be found in publication PMID: 35346344, PMCID: PMC8962531

Ambry Genetics
Classification: Likely benign for Hereditary cancer-predisposing syndrome. Last evaluated: 2022-12-17. Review status: criteria provided, single submitter. Criteria: Ambry Variant Classification Scheme 2023. Collection method: clinical testing. Allele origin: germline.

Labcorp Genetics (formerly Invitae), Labcorp
Classification: Likely benign for Neurofibromatosis, type 2. Last evaluated: 2022-08-15. Review status: criteria provided, single submitter. Criteria: Invitae Variant Classification Sherloc (09022015). Collection method: clinical testing. Allele origin: germline.